The following is an entry in ClinVar:

NM_000154.2(GALK1):c.3G>T (p.Met1Ile)

Gene: GALK1 (galactokinase 1; minus strand). Cytogenetic location: 17q25.1.
Variant type: single nucleotide variant.
Coding change: c.3G>T on transcript NM_000154.2 (MANE Select); coding-DNA position 3, G replaced by T.
Protein change: p.Met1Ile; changes the start codon (methionine 1).
Molecular consequence: missense variant, initiator codon variant.
Genome position (GRCh38, 1-based): chr17:75,765,134, C>A on the plus strand (G>T on the coding strand, the complement: GALK1 is on the minus strand). VCF-style: chr17-75765134-C-A. GRCh37 (hg19) VCF-style: chr17-73761215-C-A.
Other names: c.3G>T, p.Met1Ile (NM_001381985.1); short protein forms M1I.
Identifiers: ClinVar variation 3583044 (VCV003583044.2).

ClinVar aggregate classification (germline): Pathogenic/Likely pathogenic. Review status: criteria provided, multiple submitters, no conflicts (2 of 4 stars). 2 submissions from 2 submitters: Pathogenic (1); Likely pathogenic (1). Last evaluated 2025-02-04.

Conditions:
Deficiency of galactokinase. Also called: GALACTOSEMIA II; Galactokinase deficiency with cataracts. Identifiers: Orphanet 352, Orphanet 79237, MedGen C0268155, MONDO:0009255, OMIM 230200.

Submissions (2):

Myriad Genetics, Inc.
Classification: Pathogenic for Deficiency of galactokinase. Last evaluated: 2025-02-04. Review status: criteria provided, single submitter. Criteria: Myriad Autosomal Dominant, Autosomal Recessive and X-Linked Classification Criteria (2023). Collection method: clinical testing. Allele origin: unknown.
Comment: NM_000154.1(GALK1):c.3G>T(M1?) is an initiation codon variant classified as likely pathogenic in the context of galactokinase deficiency. M1? has been observed in cases with relevant disease (PMID: 11231902, 10790206). Relevant functional assessments of this variant are not available in the literature. Internal structural analysis of the variant is supportive of pathogenicity. M1? has not been observed in referenced population frequency databases. In summary, NM_000154.1(GALK1):c.3G>T(M1?) is an initiation codon variant that has internal structural support for pathogenicity and has been observed more frequently in cases with the relevant disease than in healthy populations. Please note: this variant was assessed in the context of healthy population screening.

Fulgent Genetics
Classification: Likely pathogenic for Deficiency of galactokinase. Last evaluated: 2024-03-16. Review status: criteria provided, single submitter. Criteria: ACMG Guidelines, 2015. Collection method: clinical testing. Allele origin: germline.

Literature cited by the submitters: PubMed 10790206 (cited by Myriad Genetics, Inc.); PubMed 11231902 (cited by Myriad Genetics, Inc.).